The following is an entry in ClinVar:

NM_000539.3(RHO):c.853C>A (p.Pro285Thr)

Gene: RHO (rhodopsin; plus strand). Cytogenetic location: 3q22.1.
Variant type: single nucleotide variant.
Coding change: c.853C>A on transcript NM_000539.3 (MANE Select); coding-DNA position 853, C replaced by A.
Protein change: p.Pro285Thr; replaces proline 285 with threonine.
Molecular consequence: missense variant.
Genome position (GRCh38, 1-based): chr3:129,532,689, C>A. VCF-style: chr3-129532689-C-A. GRCh37 (hg19) VCF-style: chr3-129251532-C-A.
Other names: short protein forms P285T.
Identifiers: ClinVar variation 3688951 (VCV003688951.2).

ClinVar aggregate classification (germline): Uncertain significance (1 of 4 stars; one submission).

gnomAD v4.1: 1 of 1,614,264 alleles (0.000062%); highest among the groups gnomAD compares: Admixed American, 0.0017%; no homozygotes.

Submission:

Labcorp Genetics (formerly Invitae), Labcorp
Classification: Uncertain significance. Last evaluated: 2024-09-15. Review status: criteria provided, single submitter. Criteria: Invitae Variant Classification Sherloc (09022015). Collection method: clinical testing. Allele origin: germline.
Comment: This sequence change replaces proline, which is neutral and non-polar, with threonine, which is neutral and polar, at codon 285 of the RHO protein (p.Pro285Thr). This variant is not present in population databases (gnomAD no frequency). This variant has not been reported in the literature in individuals affected with RHO-related conditions. Invitae Evidence Modeling of protein sequence and biophysical properties (such as structural, functional, and spatial information, amino acid conservation, physicochemical variation, residue mobility, and thermodynamic stability) indicates that this missense variant is not expected to disrupt RHO protein function with a negative predictive value of 80%. In summary, the available evidence is currently insufficient to determine the role of this variant in disease. Therefore, it has been classified as a Variant of Uncertain Significance.